The following is an entry in ClinVar:

ClinVar aggregate classification (germline): Uncertain significance (1 of 4 stars; one submission).

Conditions:
Catecholaminergic polymorphic ventricular tachycardia 1. Also called: RYR2-Related Catecholaminergic Polymorphic Ventricular Tachycardia; VENTRICULAR TACHYCARDIA, CATECHOLAMINERGIC POLYMORPHIC, 1, WITH OR WITHOUT ATRIAL DYSFUNCTION AND/OR DILATED CARDIOMYOPATHY; VENTRICULAR TACHYCARDIA, STRESS-INDUCED POLYMORPHIC 1. Identifiers: Orphanet 3286, MedGen C1631597, MONDO:0011484, OMIM 604772.

gnomAD v4.1: 1 of 1,589,268 alleles (0.000063%); highest among the groups gnomAD compares: Non-Finnish European, 0.000086%; no homozygotes.

Submission:

Labcorp Genetics (formerly Invitae), Labcorp
Classification: Uncertain significance for Catecholaminergic polymorphic ventricular tachycardia 1. Last evaluated: 2025-12-31. Review status: criteria provided, single submitter. Criteria: Invitae Variant Classification Sherloc (09022015). Collection method: clinical testing. Allele origin: germline.
Comment: This sequence change replaces asparagine, which is neutral and polar, with serine, which is neutral and polar, at codon 3063 of the RYR2 protein (p.Asn3063Ser). This variant is not present in population databases (gnomAD no frequency). This variant has not been reported in the literature in individuals affected with RYR2-related conditions. Invitae Evidence Modeling of protein sequence and biophysical properties (such as structural, functional, and spatial information, amino acid conservation, physicochemical variation, residue mobility, and thermodynamic stability) indicates that this missense variant is not expected to disrupt RYR2 protein function with a negative predictive value of 95%. In summary, the available evidence is currently insufficient to determine the role of this variant in disease. Therefore, it has been classified as a Variant of Uncertain Significance.

NM_001035.3(RYR2):c.9188A>G (p.Asn3063Ser)

Gene: RYR2 (ryanodine receptor 2; plus strand). Cytogenetic location: 1q43.
Variant type: single nucleotide variant.
Coding change: c.9188A>G on transcript NM_001035.3 (MANE Select); coding-DNA position 9188, A replaced by G.
Protein change: p.Asn3063Ser; replaces asparagine 3063 with serine.
Molecular consequence: missense variant.
Genome position (GRCh38, 1-based): chr1:237,700,288, A>G. VCF-style: chr1-237700288-A-G. GRCh37 (hg19) VCF-style: chr1-237863588-A-G.
Other names: short protein forms N3063S.
Identifiers: ClinVar variation 4706540 (VCV004706540.1).